The following is an entry in ClinVar:

NM_003072.5(SMARCA4):c.2031A>G (p.Ala677=)

Gene: SMARCA4 (SWI/SNF related BAF chromatin remodeling complex subunit ATPase 4; plus strand). Cytogenetic location: 19p13.2.
Variant type: single nucleotide variant.
Coding change: c.2031A>G on transcript NM_003072.5 (MANE Select); coding-DNA position 2031, A replaced by G.
Protein change: p.Ala677=; no amino-acid change (alanine 677 retained).
Molecular consequence: synonymous variant. On other transcripts: non-coding transcript variant (1).
Genome position (GRCh38, 1-based): chr19:11,007,931, A>G. VCF-style: chr19-11007931-A-G. GRCh37 (hg19) VCF-style: chr19-11118607-A-G.
Other names: c.2031A>G, p.Ala677= (NM_001128845.2, NM_001128846.2, NM_001128847.4 and 5 more transcripts).
Identifiers: ClinVar variation 470273 (VCV000470273.17), dbSNP rs761791338, ClinGen allele CA9203992.

ClinVar aggregate classification (germline): Benign/Likely benign. Review status: criteria provided, multiple submitters, no conflicts (2 of 4 stars). 3 submissions from 3 submitters: Benign (1); Likely benign (2). Last evaluated 2026-07-13.

Conditions:
Hereditary cancer-predisposing syndrome. Also called: Hereditary Cancer Syndrome; Hereditary neoplastic syndrome; Neoplastic Syndromes, Hereditary; Tumor predisposition. Identifiers: Orphanet 140162, MedGen C0027672, MeSH D009386, MONDO:0015356.
Rhabdoid tumor predisposition syndrome 2 (RTPS2). Identifiers: Orphanet 231108, Orphanet 69077, MedGen C2750074, MONDO:0013224, OMIM 613325.

Allele frequency attached by ClinVar (database versions not stated): TOPMed 0.00001; gnomAD exomes 0.00002; ExAC 0.00001; gnomAD 0.00002.
gnomAD v4.1: 28 of 1,613,574 alleles (0.0017%); highest among the groups gnomAD compares: Non-Finnish European, 0.0023%; no homozygotes.

Submissions (3):

Myriad Genetics, Inc.
Classification: Benign for Rhabdoid tumor predisposition syndrome 2. Last evaluated: 2026-07-13. Review status: criteria provided, single submitter. Criteria: Myriad Autosomal Dominant, Autosomal Recessive and X-Linked Classification Criteria (2023). Collection method: clinical testing. Allele origin: unknown.
Comment: This variant is considered benign. This variant is a silent/synonymous amino acid change and it is not expected to impact splicing.

Labcorp Genetics (formerly Invitae), Labcorp
Classification: Likely benign for Rhabdoid tumor predisposition syndrome 2. Last evaluated: 2025-12-12. Review status: criteria provided, single submitter. Criteria: Invitae Variant Classification Sherloc (09022015). Collection method: clinical testing. Allele origin: germline.

Ambry Genetics
Classification: Likely benign for Hereditary cancer-predisposing syndrome. Last evaluated: 2015-11-06. Review status: criteria provided, single submitter. Criteria: Ambry Variant Classification Scheme 2023. Collection method: clinical testing. Allele origin: germline.